The following is an entry in ClinVar:

ClinVar aggregate classification (germline): Uncertain significance (1 of 4 stars; one submission).

Conditions:
Developmental and epileptic encephalopathy 94 (DEE94). Also called: Epileptic encephalopathy, childhood-onset; CHD2-Related Neurodevelopmental Disorders. Identifiers: Orphanet 1942, Orphanet 2382, MedGen C3809278, MONDO:0014150, OMIM 615369.

gnomAD v4.1: 1 of 1,610,428 alleles (0.000062%); highest among the groups gnomAD compares: South Asian, 0.0011%; no homozygotes.

Submission:

Labcorp Genetics (formerly Invitae), Labcorp
Classification: Uncertain significance for Developmental and epileptic encephalopathy 94. Last evaluated: 2025-04-02. Review status: criteria provided, single submitter. Criteria: Invitae Variant Classification Sherloc (09022015). Collection method: clinical testing. Allele origin: germline.
Comment: This sequence change replaces serine, which is neutral and polar, with phenylalanine, which is neutral and non-polar, at codon 280 of the CHD2 protein (p.Ser280Phe). This variant is not present in population databases (gnomAD no frequency). This variant has not been reported in the literature in individuals affected with CHD2-related conditions. Invitae Evidence Modeling of protein sequence and biophysical properties (such as structural, functional, and spatial information, amino acid conservation, physicochemical variation, residue mobility, and thermodynamic stability) indicates that this missense variant is not expected to disrupt CHD2 protein function with a negative predictive value of 95%. In summary, the available evidence is currently insufficient to determine the role of this variant in disease. Therefore, it has been classified as a Variant of Uncertain Significance.

NM_001271.4(CHD2):c.839C>T (p.Ser280Phe)

Gene: CHD2 (chromodomain helicase DNA binding protein 2; plus strand). Cytogenetic location: 15q26.1.
Variant type: single nucleotide variant.
Coding change: c.839C>T on transcript NM_001271.4 (MANE Select); coding-DNA position 839, C replaced by T.
Protein change: p.Ser280Phe; replaces serine 280 with phenylalanine.
Molecular consequence: missense variant.
Genome position (GRCh38, 1-based): chr15:92,942,855, C>T. VCF-style: chr15-92942855-C-T. GRCh37 (hg19) VCF-style: chr15-93486085-C-T.
Other names: c.839C>T, p.Ser280Phe (NM_001042572.3); short protein forms S280F.
Identifiers: ClinVar variation 4802429 (VCV004802429.1).